The following is an entry in ClinVar:

NM_001292034.3(TAB2):c.89G>A (p.Arg30Lys)

Gene: TAB2 (TGF-beta activated kinase 1 (MAP3K7) binding protein 2; plus strand). Cytogenetic location: 6q25.1.
Variant type: single nucleotide variant.
Coding change: c.89G>A on transcript NM_001292034.3 (MANE Select); coding-DNA position 89, G replaced by A.
Protein change: p.Arg30Lys; replaces arginine 30 with lysine.
Molecular consequence: missense variant. On other transcripts: intron variant (1).
Genome position (GRCh38, 1-based): chr6:149,370,086, G>A. VCF-style: chr6-149370086-G-A. GRCh37 (hg19) VCF-style: chr6-149691222-G-A.
Other names: c.89G>A, p.Arg30Lys (NM_001369506.1, NM_015093.6); c.7-7932G>A (NM_001292035.3); short protein forms R30K.
Identifiers: ClinVar variation 2756093 (VCV002756093.3), dbSNP rs2483348519, ClinGen allele CA366002552.

ClinVar aggregate classification (germline): Uncertain significance (1 of 4 stars; one submission).

Allele frequency attached by ClinVar (database versions not stated): gnomAD exomes 0.00001.
gnomAD v4.1: 7 of 1,613,860 alleles (0.00043%); highest among the groups gnomAD compares: South Asian, 0.0066%; no homozygotes.

Submission:

Labcorp Genetics (formerly Invitae), Labcorp
Classification: Uncertain significance. Last evaluated: 2023-11-02. Review status: criteria provided, single submitter. Criteria: Invitae Variant Classification Sherloc (09022015). Collection method: clinical testing. Allele origin: germline.
Comment: This sequence change replaces arginine, which is basic and polar, with lysine, which is basic and polar, at codon 30 of the TAB2 protein (p.Arg30Lys). This variant is not present in population databases (gnomAD no frequency). This variant has not been reported in the literature in individuals affected with TAB2-related conditions. Advanced modeling of protein sequence and biophysical properties (such as structural, functional, and spatial information, amino acid conservation, physicochemical variation, residue mobility, and thermodynamic stability) performed at Invitae indicates that this missense variant is not expected to disrupt TAB2 protein function with a negative predictive value of 80%. In summary, the available evidence is currently insufficient to determine the role of this variant in disease. Therefore, it has been classified as a Variant of Uncertain Significance.